The following is an entry in ClinVar:

NM_001083124.1(SPATA31A3):c.1885G>A (p.Glu629Lys)

Gene: SPATA31A3 (SPATA31 subfamily A member 3; minus strand). Cytogenetic location: 9q21.11.
Variant type: single nucleotide variant.
Coding change: c.1885G>A on transcript NM_001083124.1 (MANE Select); coding-DNA position 1885, G replaced by A.
Protein change: p.Glu629Lys; replaces glutamic acid 629 with lysine.
Molecular consequence: missense variant.
Genome position (GRCh38, 1-based): chr9:66,988,613, C>T on the plus strand (G>A on the coding strand, the complement: SPATA31A3 is on the minus strand). VCF-style: chr9-66988613-C-T. GRCh37 (hg19) VCF-style: chr9-40704228-G-A.
Other names: short protein forms E629K.
Identifiers: ClinVar variation 2659209 (VCV002659209.24), dbSNP rs369062848, ClinGen allele CA5066145.

ClinVar aggregate classification (germline): Likely benign (1 of 4 stars; one submission).

Allele frequency attached by ClinVar (database versions not stated): gnomAD 0.00021; ESP Exome Variant Server 0.00024; 1000 Genomes Project 30x 0.00047; gnomAD exomes 0.00059; 1000 Genomes Project 0.00060; ExAC 0.00110.
gnomAD v4.1: 657 of 1,172,004 alleles (0.056%); highest among the groups gnomAD compares: East Asian, 0.97%; 78 homozygotes.

Submission:

CeGaT Center for Human Genetics Tuebingen
Classification: Likely benign. Last evaluated: 2023-01-01. Review status: criteria provided, single submitter. Criteria: CeGaT Center For Human Genetics Tuebingen Variant Classification Criteria Version 2. Collection method: clinical testing. Allele origin: germline. Affected: yes. Observed: 1 variant allele.
Comment: SPATA31A3: BP4, BS2